The following is an entry in ClinVar:

NM_001330078.2(NRXN1):c.3888G>A (p.Gln1296=)

Gene: NRXN1 (neurexin 1; minus strand). Cytogenetic location: 2p16.3.
Variant type: single nucleotide variant.
Coding change: c.3888G>A on transcript NM_001330078.2 (MANE Select); coding-DNA position 3888, G replaced by A.
Protein change: p.Gln1296=; no amino-acid change (glutamine 1296 retained).
Molecular consequence: synonymous variant.
Genome position (GRCh38, 1-based): chr2:50,053,511, C>T on the plus strand (G>A on the coding strand, the complement: NRXN1 is on the minus strand). VCF-style: chr2-50053511-C-T. GRCh37 (hg19) VCF-style: chr2-50280649-C-T.
Other names: c.4008G>A, p.Gln1336= (NM_001135659.3); c.3864G>A, p.Gln1288= (NM_001330077.2, NM_001330082.2); c.3732G>A, p.Gln1244= (NM_001330083.2); c.3822G>A, p.Gln1274= (NM_001330084.2); c.3861G>A, p.Gln1287= (NM_001330085.2); c.3888G>A, p.Gln1296= (NM_001330086.2); c.3687G>A, p.Gln1229= (NM_001330087.2, NM_001330096.2); c.3717G>A, p.Gln1239= (NM_001330088.2); and 6 more.
Identifiers: ClinVar variation 513552 (VCV000513552.10), dbSNP rs1553535081, ClinGen allele CA426101501.

ClinVar aggregate classification (germline): Likely benign. Review status: criteria provided, multiple submitters, no conflicts (2 of 4 stars). 2 submissions from 2 submitters: Likely benign (2). Last evaluated 2024-10-09.

Conditions:
Pitt-Hopkins-like syndrome 2 (PTHSL2). Identifiers: Orphanet 221150, Orphanet 600663, MedGen C3280479, MONDO:0013690, OMIM 614325.

Allele frequency attached by ClinVar (database versions not stated): TOPMed 0.00001.

Submissions (2):

Labcorp Genetics (formerly Invitae), Labcorp
Classification: Likely benign for Pitt-Hopkins-like syndrome 2. Last evaluated: 2024-10-09. Review status: criteria provided, single submitter. Criteria: Invitae Variant Classification Sherloc (09022015). Collection method: clinical testing. Allele origin: germline.

GeneDx
Classification: Likely benign. Last evaluated: 2017-11-17. Review status: criteria provided, single submitter. Criteria: GeneDx Variant Classification (06012015). Collection method: clinical testing. Allele origin: germline. Affected: yes.
Comment: This variant is considered likely benign or benign based on one or more of the following criteria: it is a conservative change, it occurs at a poorly conserved position in the protein, it is predicted to be benign by multiple in silico algorithms, and/or has population frequency not consistent with disease.